The following is an entry in ClinVar:

NM_000057.4(BLM):c.1455T>G (p.Asn485Lys)

Gene: BLM (BLM RecQ like helicase; plus strand). Cytogenetic location: 15q26.1.
Variant type: single nucleotide variant.
Coding change: c.1455T>G on transcript NM_000057.4 (MANE Select); coding-DNA position 1455, T replaced by G.
Protein change: p.Asn485Lys; replaces asparagine 485 with lysine.
Molecular consequence: missense variant.
Genome position (GRCh38, 1-based): chr15:90,760,828, T>G. VCF-style: chr15-90760828-T-G. GRCh37 (hg19) VCF-style: chr15-91304058-T-G.
Other names: c.1455T>G (NM_000057.3, NM_000057.2); c.1455T>G, p.Asn485Lys (NM_001287246.2, NM_001287247.2); c.330T>G, p.Asn110Lys (NM_001287248.2); short protein forms N110K, N485K.
Identifiers: ClinVar variation 1384968 (VCV001384968.11), dbSNP rs2151158261, ClinGen allele CA393843096.

ClinVar aggregate classification (germline): Uncertain significance. Review status: criteria provided, multiple submitters, no conflicts (2 of 4 stars). 3 submissions from 3 submitters: Uncertain significance (3). Last evaluated 2025-08-23.

Conditions:
Hereditary cancer-predisposing syndrome. Also called: Tumor predisposition; Neoplastic Syndromes, Hereditary; Hereditary Cancer Syndrome; Hereditary neoplastic syndrome. Identifiers: Orphanet 140162, MedGen C0027672, MeSH D009386, MONDO:0015356.
Bloom syndrome (BLM). Also called: Bloom-Torre-Machacek syndrome. Identifiers: Orphanet 125, MedGen C0005859, MONDO:0008876, OMIM 210900.

gnomAD v4.1: 1 of 1,614,112 alleles (0.000062%); highest among the groups gnomAD compares: Middle Eastern, 0.016%; no homozygotes.

Submissions (3):

Labcorp Genetics (formerly Invitae), Labcorp
Classification: Uncertain significance for Bloom syndrome. Last evaluated: 2025-08-23. Review status: criteria provided, single submitter. Criteria: Invitae Variant Classification Sherloc (09022015). Collection method: clinical testing. Allele origin: germline.
Comment: This sequence change replaces asparagine, which is neutral and polar, with lysine, which is basic and polar, at codon 485 of the BLM protein (p.Asn485Lys). This variant is not present in population databases (gnomAD no frequency). This variant has not been reported in the literature in individuals affected with BLM-related conditions. ClinVar contains an entry for this variant (Variation ID: 1384968). Invitae Evidence Modeling of protein sequence and biophysical properties (such as structural, functional, and spatial information, amino acid conservation, physicochemical variation, residue mobility, and thermodynamic stability) indicates that this missense variant is not expected to disrupt BLM protein function with a negative predictive value of 80%. In summary, the available evidence is currently insufficient to determine the role of this variant in disease. Therefore, it has been classified as a Variant of Uncertain Significance.

Ambry Genetics
Classification: Uncertain significance for Hereditary cancer-predisposing syndrome. Last evaluated: 2025-08-20. Review status: criteria provided, single submitter. Criteria: Ambry Variant Classification Scheme 2023. Collection method: clinical testing. Allele origin: germline.

Quest Diagnostics Nichols Institute San Juan Capistrano
Classification: Uncertain significance. Last evaluated: 2023-01-27. Review status: criteria provided, single submitter. Criteria: Quest Diagnostics criteria. Collection method: clinical testing. Allele origin: unknown.
Comment: The variant has not been reported in the published literature. It also has not been reported in large, multi-ethnic general populations. Analysis of this variant using bioinformatics tools for the prediction of the effect of amino acid changes on protein structure and function yielded predictions that this variant is benign. Based on the available information, we are unable to determine the clinical significance of this variant.